The following is an entry in ClinVar:

NM_000228.3(LAMB3):c.1676del (p.Gly558_Leu559insTer)

Gene: LAMB3 (laminin subunit beta 3; minus strand). Cytogenetic location: 1q32.2.
Variant type: Deletion.
Coding change: c.1676del on transcript NM_000228.3 (MANE Select); coding-DNA position 1676, one base deleted (T; older notation c.1676delT).
Protein change: p.Gly558_Leu559insTer.
Molecular consequence: nonsense.
Genome position (GRCh38, 1-based): chr1:209,625,948, A deleted on the plus strand (T on the coding strand, the reverse complement: LAMB3 is on the minus strand); the first of 2 consecutive A bases (chr1:209,625,948-209,625,949); deleting either gives the same sequence. VCF-style (leftmost placement, unchanged base first): chr1-209625947-CA-C. GRCh37 (hg19) VCF-style: chr1-209799292-CA-C.
Other names: c.1676del, p.Gly558_Leu559insTer (NM_001017402.2, NM_001127641.1); c.1676delT (NM_000228.2).
Identifiers: ClinVar variation 1074943 (VCV001074943.9), dbSNP rs1666431089, ClinGen allele CA2484299287.

ClinVar aggregate classification (germline): Pathogenic/Likely pathogenic. Review status: criteria provided, multiple submitters, no conflicts (2 of 4 stars). 3 submissions from 3 submitters: Pathogenic (2); Likely pathogenic (1). Last evaluated 2025-10-16.

Conditions:
Junctional epidermolysis bullosa, non-Herlitz type. Also called: COL17A1-Related Junctional Epidermolysis Bullosa; EPIDERMOLYSIS BULLOSA, JUNCTIONAL 1A, INTERMEDIATE; EPIDERMOLYSIS BULLOSA JUNCTIONALIS, DISENTIS TYPE; EPIDERMOLYSIS BULLOSA JUNCTIONALIS, NON-HERLITZ TYPE; EPIDERMOLYSIS BULLOSA JUNCTIONALIS, PROGRESSIVE; EPIDERMOLYSIS BULLOSA JUNCTIONALIS, SEVERE NONLETHAL. Identifiers: Orphanet 251393, Orphanet 79402, Orphanet 79405, Orphanet 89840, MedGen C0268374, MONDO:0009180, OMIM 226650.
Junctional epidermolysis bullosa gravis of Herlitz. Also called: JEB-HERLITZ TYPE; EPIDERMOLYSIS BULLOSA, JUNCTIONAL 1B, SEVERE; EPIDERMOLYSIS BULLOSA JUNCTIONALIS, HERLITZ TYPE; EPIDERMOLYSIS BULLOSA, JUNCTIONAL, HERLITZ-PEARSON TYPE; Epidermolysis Bullosa Letalis; Herlitz-type junctional epidermolysis bullosa. Identifiers: Orphanet 79404, MedGen C0079683, MONDO:0009182, OMIM 226700.
Amelogenesis imperfecta type 1A. Also called: Amelogenesis imperfecta local hypoplastic; Amelogenesis imperfecta, hypoplastic type; Amelogenesis imperfecta, type IA; AMELOGENESIS IMPERFECTA, HYPOPLASTIC TYPE IA. Identifiers: Orphanet 88661, MedGen C4011403, MONDO:0007094, OMIM 104530.
LAMB3-related disorder. Also called: LAMB3-related condition.

Submissions (3):

Labcorp Genetics (formerly Invitae), Labcorp
Classification: Pathogenic. Last evaluated: 2025-10-16. Review status: criteria provided, single submitter. Criteria: Invitae Variant Classification Sherloc (09022015). Collection method: clinical testing. Allele origin: germline.
Comment: This sequence change creates a premature translational stop signal (p.Leu559*) in the LAMB3 gene. It is expected to result in an absent or disrupted protein product. Loss-of-function variants in LAMB3 are known to be pathogenic (PMID: 11023379, 16473856). This variant is not present in population databases (gnomAD no frequency). This variant has not been reported in the literature in individuals affected with LAMB3-related conditions. ClinVar contains an entry for this variant (Variation ID: 1074943). For these reasons, this variant has been classified as Pathogenic.

PreventionGenetics, part of Exact Sciences
Classification: Pathogenic for LAMB3-related condition. Last evaluated: 2025-07-21. Review status: criteria provided, single submitter. Criteria: ACMG Guidelines, 2015. Collection method: clinical testing. Allele origin: germline.
Comment: The LAMB3 c.1676delT variant is predicted to result in premature protein termination (p.Leu559*). To our knowledge, this variant has not been reported in the literature or in a large population database (gnomAD), indicating this variant is rare. Nonsense variants in LAMB3 are expected to be pathogenic. This variant is interpreted as pathogenic.

Fulgent Genetics
Classification: Likely pathogenic for Amelogenesis imperfecta type 1A; Junctional epidermolysis bullosa, non-Herlitz type; Junctional epidermolysis bullosa gravis of Herlitz. Last evaluated: 2024-06-13. Review status: criteria provided, single submitter. Criteria: ACMG Guidelines, 2015. Collection method: clinical testing. Allele origin: germline.

Literature cited by the submitters: PubMed 11023379 (cited by Labcorp Genetics (formerly Invitae), Labcorp); PubMed 16473856 (cited by Labcorp Genetics (formerly Invitae), Labcorp).